The following is an entry in ClinVar:

ClinVar aggregate classification (germline): Conflicting classifications of pathogenicity. Review status: criteria provided, conflicting classifications (1 of 4 stars). 7 submissions from 7 submitters: Likely pathogenic (3); Uncertain significance (2). 2 of the submissions do not count toward it. Last evaluated 2025-07-25.

Conditions:
GNE myopathy (NM). Also called: IBM 2; Inclusion body myopathy autosomal recessive; Inclusion body myopathy quadriceps sparing; NONAKA DISTAL MYOPATHY; INCLUSION BODY MYOPATHY, HEREDITARY, AUTOSOMAL RECESSIVE; INCLUSION BODY MYOPATHY 2, AUTOSOMAL RECESSIVE. Identifiers: Orphanet 602, MedGen C1853926, MONDO:0011603, OMIM 605820.
Sialuria. Also called: SIALURIA, FRENCH TYPE; Sialic Acid Storage Disease. Identifiers: Orphanet 3166, MedGen C0342853, MONDO:0010028, OMIM 269921.

Allele frequency attached by ClinVar (database versions not stated): gnomAD exomes below 0.00001; TOPMed 0.00001.
gnomAD v4.1: 7 of 1,613,940 alleles (0.00043%); highest among the groups gnomAD compares: Non-Finnish European, 0.00051%; no homozygotes.

Submissions (7):

Women's Health and Genetics/Laboratory Corporation of America, LabCorp
Classification: Likely pathogenic for GNE myopathy. Last evaluated: 2025-07-25. Review status: criteria provided, single submitter. Criteria: LabCorp Variant Classification Summary - May 2015. Collection method: clinical testing. Allele origin: germline.
Comment: Variant summary: GNE c.304A>T (p.Arg102Trp) results in a non-conservative amino acid change located in the UDP-N-acetylglucosamine 2-epimerase domain (IPR003331) of the encoded protein sequence. Algorithms developed to predict the effect of missense changes on protein structure and function all suggest that this variant is likely to be disruptive. The variant was absent in 249902 control chromosomes (gnomAD v2.1 Exomes dataset). c.304A>T has been observed in individuals affected with Myopathy (e.g., Saechao_2010 and Labcorp (formerly Invitae) internal cases) . These data indicate that the variant is likely to be associated with disease. To our knowledge, no experimental evidence demonstrating an impact on protein function has been reported. The following publications have been ascertained in the context of this evaluation (PMID: 20059379, 30564623). ClinVar contains an entry for this variant (Variation ID: 290713). Based on the evidence outlined above, the variant was classified as likely pathogenic.

Labcorp Genetics (formerly Invitae), Labcorp
Classification: Likely pathogenic for Sialuria; GNE myopathy. Last evaluated: 2025-01-13. Review status: criteria provided, single submitter. Criteria: Invitae Variant Classification Sherloc (09022015). Collection method: clinical testing. Allele origin: germline.
Comment: This sequence change replaces arginine, which is basic and polar, with tryptophan, which is neutral and slightly polar, at codon 102 of the GNE protein (p.Arg102Trp). This variant is not present in population databases (gnomAD no frequency). This missense change has been observed in individual(s) with distal myopathy (PMID: 20059379; internal data). In at least one individual the data is consistent with being in trans (on the opposite chromosome) from a pathogenic variant. This variant is also known as R71W. ClinVar contains an entry for this variant (Variation ID: 290713). Invitae Evidence Modeling of protein sequence and biophysical properties (such as structural, functional, and spatial information, amino acid conservation, physicochemical variation, residue mobility, and thermodynamic stability) has been performed for this missense variant. However, the output from this modeling did not meet the statistical confidence thresholds required to predict the impact of this variant on GNE protein function. In summary, the currently available evidence indicates that the variant is pathogenic, but additional data are needed to prove that conclusively. Therefore, this variant has been classified as Likely Pathogenic.

Revvity Omics, Revvity
Classification: Likely pathogenic. Last evaluated: 2022-05-17. Review status: criteria provided, single submitter. Criteria: ACMG Guidelines, 2015. Collection method: clinical testing. Allele origin: germline.

Eurofins Ntd Llc (ga)
Classification: Uncertain significance. Last evaluated: 2018-05-09. Review status: criteria provided, single submitter. Criteria: EGL ClinVar v180209 classification definitions. Collection method: clinical testing. Allele origin: germline. Observed: 4 variant alleles, 3 heterozygotes, 1 homozygote.

GeneDx
Classification: Uncertain significance. Last evaluated: 2018-05-07. Review status: criteria provided, single submitter. Criteria: GeneDx Variant Classification (06012015). Collection method: clinical testing. Allele origin: germline. Affected: yes.
Comment: The R102W variant in the GNE gene has been reported previously in the homozygous state in an individual with myopathy (Saechao et al., 2010). The R102W variant is not observed in large population cohorts (Lek et al., 2016). The R102W variant is a non-conservative amino acid substitution, which is likely to impact secondary protein structure as these residues differ in polarity, charge, size and/or other properties. In-silico analyses, including protein predictors and evolutionary conservation, support a deleterious effect. We interpret R102W as a variant of uncertain significance.

Natera, Inc.
Classification: Uncertain significance for Nonaka myopathy. Last evaluated: 2020-09-16. Review status: no assertion criteria provided. Collection method: clinical testing. Allele origin: germline. Not counted in ClinVar's aggregate classification.

Counsyl
Classification: Uncertain significance for GNE myopathy. Last evaluated: 2017-06-13. Review status: no assertion criteria provided. Collection method: clinical testing. Allele origin: unknown. Not counted in ClinVar's aggregate classification.

Literature cited by the submitters: PubMed 30564623 (cited by Women's Health and Genetics/Laboratory Corporation of America, LabCorp); PubMed 20059379 (cited by 4 submitters).

NM_005476.7(GNE):c.211A>T (p.Arg71Trp)

Gene: GNE (glucosamine (UDP-N-acetyl)-2-epimerase/N-acetylmannosamine kinase; minus strand). Cytogenetic location: 9p13.3.
Variant type: single nucleotide variant.
Coding change: c.211A>T on transcript NM_005476.7 (MANE Select); coding-DNA position 211, A replaced by T.
Protein change: p.Arg71Trp; replaces arginine 71 with tryptophan.
Molecular consequence: missense variant.
Genome position (GRCh38, 1-based): chr9:36,246,436, T>A on the plus strand (A>T on the coding strand, the complement: GNE is on the minus strand). VCF-style: chr9-36246436-T-A. GRCh37 (hg19) VCF-style: chr9-36246433-T-A.
Other names: c.304A>T, p.Arg102Trp (NM_001128227.3); c.211A>T, p.Arg71Trp (NM_001190383.3, NM_001374797.1); c.34A>T, p.Arg12Trp (NM_001190384.3, NM_001190388.2, NM_001374798.1); short protein forms R102W, R71W, R12W.
Identifiers: ClinVar variation 290713 (VCV000290713.22), dbSNP rs886044539, ClinGen allele CA10606885.